The following is an entry in ClinVar:

ClinVar aggregate classification (germline): Uncertain significance (1 of 4 stars; one submission).

Conditions:
Seizures, benign familial infantile, 3 (BFIS3). Also called: CONVULSIONS, BENIGN FAMILIAL INFANTILE, 3; Familial neonatal seizures. Identifiers: Orphanet 140927, Orphanet 306, MedGen C1843140, MONDO:0011904, OMIM 607745.
Developmental and epileptic encephalopathy, 11 (DEE11). Also called: Early infantile epileptic encephalopathy 11. Identifiers: Orphanet 1934, MedGen C3150987, MONDO:0013388, OMIM 613721.

gnomAD v4.1: 1 of 1,614,132 alleles (0.000062%); highest among the groups gnomAD compares: Non-Finnish European, 0.000085%; no homozygotes.

Submission:

Labcorp Genetics (formerly Invitae), Labcorp
Classification: Uncertain significance for Seizures, benign familial infantile, 3; Developmental and epileptic encephalopathy, 11. Last evaluated: 2024-03-09. Review status: criteria provided, single submitter. Criteria: Invitae Variant Classification Sherloc (09022015). Collection method: clinical testing. Allele origin: germline.
Comment: This sequence change replaces glutamic acid, which is acidic and polar, with aspartic acid, which is acidic and polar, at codon 1089 of the SCN2A protein (p.Glu1089Asp). This variant is not present in population databases (gnomAD no frequency). This variant has not been reported in the literature in individuals affected with SCN2A-related conditions. Advanced modeling of protein sequence and biophysical properties (such as structural, functional, and spatial information, amino acid conservation, physicochemical variation, residue mobility, and thermodynamic stability) performed at Invitae indicates that this missense variant is not expected to disrupt SCN2A protein function with a negative predictive value of 95%. In summary, the available evidence is currently insufficient to determine the role of this variant in disease. Therefore, it has been classified as a Variant of Uncertain Significance.

NM_001040142.2(SCN2A):c.3267A>C (p.Glu1089Asp)

Gene: SCN2A (sodium voltage-gated channel alpha subunit 2; plus strand). Cytogenetic location: 2q24.3.
Variant type: single nucleotide variant.
Coding change: c.3267A>C on transcript NM_001040142.2 (MANE Select); coding-DNA position 3267, A replaced by C.
Protein change: p.Glu1089Asp; replaces glutamic acid 1089 with aspartic acid.
Molecular consequence: missense variant.
Genome position (GRCh38, 1-based): chr2:165,354,539, A>C. VCF-style: chr2-165354539-A-C. GRCh37 (hg19) VCF-style: chr2-166211049-A-C.
Other names: c.3267A>C, p.Glu1089Asp (NM_001040143.2, NM_001371246.1, NM_001371247.1 and 1 more transcripts); short protein forms E1089D.
Identifiers: ClinVar variation 3752096 (VCV003752096.2).